The following is an entry in ClinVar:

ClinVar aggregate classification (germline): Conflicting classifications of pathogenicity. Review status: criteria provided, conflicting classifications (1 of 4 stars). 4 submissions from 4 submitters: Uncertain significance (3); Likely benign (1). Last evaluated 2025-06-24.

Conditions:
Cardiac arrhythmia. Also called: Arrhythmia; Cardiac rhythm disease. Identifiers: MedGen C0003811, MONDO:0007263, HP:0011675.
Long QT syndrome (LQTS). Identifiers: MedGen C0023976, MeSH D008133, MONDO:0002442. Disease mechanism: loss of function. Inheritance: Various modes of inheritance.

Submissions (4):

Labcorp Genetics (formerly Invitae), Labcorp
Classification: Uncertain significance for Long QT syndrome. Last evaluated: 2025-06-24. Review status: criteria provided, single submitter. Criteria: Invitae Variant Classification Sherloc (09022015). Collection method: clinical testing. Allele origin: germline.
Comment: This sequence change replaces lysine, which is basic and polar, with arginine, which is basic and polar, at codon 897 of the KCNH2 protein (p.Lys897Arg). The frequency data for this variant in the population databases is considered unreliable, as metrics indicate poor data quality at this position in the gnomAD database. This missense change has been observed in individual(s) with epilepsy (PMID: 34002542). ClinVar contains an entry for this variant (Variation ID: 2773427). An algorithm developed to predict the effect of missense changes on protein structure and function outputs the following: PolyPhen-2: "Benign". The arginine amino acid residue is found in multiple mammalian species, which suggests that this missense change does not adversely affect protein function. Experimental studies have shown that this missense change does not substantially affect KCNH2 function (PMID: 34002542). In summary, the available evidence is currently insufficient to determine the role of this variant in disease. Therefore, it has been classified as a Variant of Uncertain Significance.

All of Us Research Program, National Institutes of Health
Classification: Uncertain significance for Long QT syndrome. Last evaluated: 2024-04-16. Review status: criteria provided, single submitter. Criteria: ACMG Guidelines, 2015. Collection method: clinical testing. Allele origin: germline. Inheritance: Autosomal dominant inheritance. Observed: 1 variant allele, 1 heterozygote.
Comment: This missense variant replaces lysine with arginine at codon 897 of the KCNH2 protein. Computational prediction is inconclusive regarding the impact of this variant on protein structure and function (internally defined REVEL score threshold 0.5 < inconclusive < 0.7, PMID: 27666373). A functional study has shown that this variant does not change channel function in vitro (PMID: 34002542). This variant has not been reported in individuals affected with cardiovascular disorders in the literature. This variant has not been identified in the general population by the Genome Aggregation Database (gnomAD). The available evidence is insufficient to determine the role of this variant in disease conclusively. Therefore, this variant is classified as a Variant of Uncertain Significance.

This study involves interpretation of variants in research participants for the purpose of population health screening. Participant phenotype was not available at the time of variant classification. Additional details can be found in publication PMID: 35346344, PMCID: PMC8962531

Blueprint Genetics
Classification: Likely benign. Last evaluated: 2024-04-15. Review status: criteria provided, single submitter. Criteria: ACMG Guidelines, 2015. Collection method: clinical testing. Allele origin: germline.

Color Diagnostics, LLC DBA Color Health
Classification: Uncertain significance for Cardiac arrhythmia. Last evaluated: 2023-05-25. Review status: criteria provided, single submitter. Criteria: ACMG Guidelines, 2015. Collection method: clinical testing. Allele origin: germline.
Comment: This missense variant replaces lysine with arginine at codon 897 of the KCNH2 protein. Computational prediction is inconclusive regarding the impact of this variant on protein structure and function (internally defined REVEL score threshold 0.5 < inconclusive < 0.7, PMID: 27666373). A functional study has shown that this variant does not change channel function in vitro (PMID: 34002542). This variant has not been reported in individuals affected with KCNH2-related disorders in the literature. This variant has not been identified in the general population by the Genome Aggregation Database (gnomAD). The available evidence is insufficient to determine the role of this variant in disease conclusively. Therefore, this variant is classified as a Variant of Uncertain Significance.

Literature cited by the submitters: PubMed 34002542 (cited by 3 submitters).

NM_000238.4(KCNH2):c.2690A>G (p.Lys897Arg)

Gene: KCNH2 (potassium voltage-gated channel subfamily H member 2; minus strand). Cytogenetic location: 7q36.1.
Variant type: single nucleotide variant.
Coding change: c.2690A>G on transcript NM_000238.4 (MANE Select); coding-DNA position 2690, A replaced by G.
Protein change: p.Lys897Arg; replaces lysine 897 with arginine.
Molecular consequence: missense variant. On other transcripts: non-coding transcript variant (2).
Genome position (GRCh38, 1-based): chr7:150,948,446, T>C on the plus strand (A>G on the coding strand, the complement: KCNH2 is on the minus strand). VCF-style: chr7-150948446-T-C. GRCh37 (hg19) VCF-style: chr7-150645534-T-C.
Other names: c.2402A>G, p.Lys801Arg (NM_001406753.1); c.1670A>G, p.Lys557Arg (NM_172057.3); short protein forms K557R, K897R, K801R.
Identifiers: ClinVar variation 2773427 (VCV002773427.6), dbSNP rs1805123, ClinGen allele CA369853610.